The following is an entry in ClinVar:

NM_152617.4(RNF168):c.94_95insC (p.Asn32fs)

Gene: RNF168 (ring finger protein 168; minus strand). Cytogenetic location: 3q29.
Variant type: Insertion.
Coding change: c.94_95insC on transcript NM_152617.4 (MANE Select); coding-DNA positions 94 to 95, C inserted.
Protein change: p.Asn32fs; shifts the reading frame from asparagine 32.
Molecular consequence: frameshift variant.
Genome position: GRCh38 VCF-style: chr3-196503079-T-TG. GRCh37 (hg19) VCF-style: chr3-196229950-T-TG.
Other names: short protein forms N32fs.
Identifiers: ClinVar variation 2770341 (VCV002770341.3), dbSNP rs2473980014, ClinGen allele CA2697557032.
Genomic context (GRCh38, chr3:196,503,079, plus strand): 5'-GGACAGCATAAACTCGCCTTTTCGACGGTCGACTGGAAGCACGGTTTACACAGCGTGTGG[T>TG]TACACGGGAGGGTGACGGGCTCCACGAGGATTTCCATGCAGATCCCGCACTGGCACTCGG-3'

ClinVar aggregate classification (germline): Pathogenic (1 of 4 stars; one submission).

Submission:

Labcorp Genetics (formerly Invitae), Labcorp
Classification: Pathogenic. Last evaluated: 2023-10-20. Review status: criteria provided, single submitter. Criteria: Invitae Variant Classification Sherloc (09022015). Collection method: clinical testing. Allele origin: germline.
Comment: This sequence change creates a premature translational stop signal (p.Asn32Thrfs*6) in the RNF168 gene. It is expected to result in an absent or disrupted protein product. Loss-of-function variants in RNF168 are known to be pathogenic (PMID: 19203578, 21394101). This variant is not present in population databases (gnomAD no frequency). This variant has not been reported in the literature in individuals affected with RNF168-related conditions. For these reasons, this variant has been classified as Pathogenic.

Literature cited by the submitters: PubMed 19203578; PubMed 21394101.